The following is an entry in ClinVar:

ClinVar aggregate classification (germline): Uncertain significance. Review status: criteria provided, multiple submitters, no conflicts (2 of 4 stars). 2 submissions from 2 submitters: Uncertain significance (2). Last evaluated 2024-11-14.

Conditions:
Inborn genetic diseases. Identifiers: MedGen C0950123, MeSH D030342.

Allele frequency attached by ClinVar (database versions not stated): TOPMed 0.00005; ExAC 0.00006; gnomAD 0.00007; ESP Exome Variant Server 0.00008.
gnomAD v4.1: 143 of 1,614,096 alleles (0.0089%); highest among the groups gnomAD compares: Non-Finnish European, 0.012%; 1 homozygote.

Submissions (2):

Labcorp Genetics (formerly Invitae), Labcorp
Classification: Uncertain significance. Last evaluated: 2024-11-14. Review status: criteria provided, single submitter. Criteria: Invitae Variant Classification Sherloc (09022015). Collection method: clinical testing. Allele origin: germline.
Comment: This sequence change replaces proline, which is neutral and non-polar, with arginine, which is basic and polar, at codon 205 of the SLC25A4 protein (p.Pro205Arg). This variant is present in population databases (rs376071284, gnomAD 0.008%). This variant has not been reported in the literature in individuals affected with SLC25A4-related conditions. ClinVar contains an entry for this variant (Variation ID: 1952653). Invitae Evidence Modeling of protein sequence and biophysical properties (such as structural, functional, and spatial information, amino acid conservation, physicochemical variation, residue mobility, and thermodynamic stability) indicates that this missense variant is not expected to disrupt SLC25A4 protein function with a negative predictive value of 80%. In summary, the available evidence is currently insufficient to determine the role of this variant in disease. Therefore, it has been classified as a Variant of Uncertain Significance.

Ambry Genetics
Classification: Uncertain significance for Inborn genetic diseases. Last evaluated: 2021-04-20. Review status: criteria provided, single submitter. Criteria: Ambry Variant Classification Scheme 2023. Collection method: clinical testing. Allele origin: germline.

NM_001151.4(SLC25A4):c.614C>G (p.Pro205Arg)

Gene: SLC25A4 (solute carrier family 25 member 4; plus strand). Cytogenetic location: 4q35.1.
Variant type: single nucleotide variant.
Coding change: c.614C>G on transcript NM_001151.4 (MANE Select); coding-DNA position 614, C replaced by G.
Protein change: p.Pro205Arg; replaces proline 205 with arginine.
Molecular consequence: missense variant.
Genome position (GRCh38, 1-based): chr4:185,145,774, C>G. VCF-style: chr4-185145774-C-G. GRCh37 (hg19) VCF-style: chr4-186066928-C-G.
Other names: short protein forms P205R.
Identifiers: ClinVar variation 1952653 (VCV001952653.5), dbSNP rs376071284, ClinGen allele CA3156537.
Genomic context (GRCh38, chr4:185,145,774, plus strand): 5'-GAACAGGCACTTCATAGCCGTTCGGCTTCTGGGCTCTGTCCACAGGGATGCTGCCTGACC[C>G]CAAGAACGTGCACATTTTTGTGAGCTGGATGATTGCCCAGAGTGTGACGGCAGTCGCAGG-3'
Protein context (NP_001142.2, residues 195-215): YDTAKGMLPD[Pro205Arg]KNVHIFVSWM